The following is an entry in ClinVar:

NM_025099.6(CTC1):c.3472T>C (p.Ser1158Pro)

Gene: CTC1 (CST telomere replication complex component 1; minus strand). Cytogenetic location: 17p13.1.
Variant type: single nucleotide variant.
Coding change: c.3472T>C on transcript NM_025099.6 (MANE Select); coding-DNA position 3472, T replaced by C.
Protein change: p.Ser1158Pro; replaces serine 1158 with proline.
Molecular consequence: missense variant. On other transcripts: non-coding transcript variant (1).
Genome position (GRCh38, 1-based): chr17:8,228,545, A>G on the plus strand (T>C on the coding strand, the complement: CTC1 is on the minus strand). VCF-style: chr17-8228545-A-G. GRCh37 (hg19) VCF-style: chr17-8131863-A-G.
Other names: c.3241T>C, p.Ser1081Pro (NM_001411067.1); short protein forms S1081P, S1158P.
Identifiers: ClinVar variation 2130454 (VCV002130454.4), dbSNP rs1348570656, ClinGen allele CA397968358.
Genomic context (GRCh38, chr17:8,228,545, plus strand): 5'-CCCCGTCTCCAACCTTACCTAATGGGACGATCTTCGACGGTTTCCTTTCCAGCTCAAAAG[A>G]AAGCACAATAGGACGGAGGACAGAGGGGCTAGTACAAAGTGTCCAGAGGAACATGGTCAT-3'
Protein context (NP_079375.3, residues 1148-1168): SPSVLRPIVL[Ser1158Pro]FELERKPSKI

ClinVar aggregate classification (germline): Uncertain significance (1 of 4 stars; one submission).

Conditions:
Dyskeratosis congenita. Identifiers: Orphanet 1775, MedGen C0265965, MONDO:0015780.

Submission:

Labcorp Genetics (formerly Invitae), Labcorp
Classification: Uncertain significance for Dyskeratosis congenita. Last evaluated: 2022-04-25. Review status: criteria provided, single submitter. Criteria: Invitae Variant Classification Sherloc (09022015). Collection method: clinical testing. Allele origin: germline.
Comment: This sequence change replaces serine, which is neutral and polar, with proline, which is neutral and non-polar, at codon 1158 of the CTC1 protein (p.Ser1158Pro). This variant is not present in population databases (gnomAD no frequency). This variant has not been reported in the literature in individuals affected with CTC1-related conditions. Algorithms developed to predict the effect of missense changes on protein structure and function are either unavailable or do not agree on the potential impact of this missense change (SIFT: "Deleterious"; PolyPhen-2: "Possibly Damaging"; Align-GVGD: "Class C0"). In summary, the available evidence is currently insufficient to determine the role of this variant in disease. Therefore, it has been classified as a Variant of Uncertain Significance.